The following is an entry in ClinVar:

ClinVar aggregate classification (germline): Pathogenic/Likely pathogenic. Review status: criteria provided, multiple submitters, no conflicts (2 of 4 stars). 2 submissions from 2 submitters: Pathogenic (1); Likely pathogenic (1). Last evaluated 2022-06-28.

Conditions:
Spermatogenic failure 65 (SPGF65). Identifiers: MedGen C5562067, MONDO:0030531, OMIM 619712.

Allele frequency attached by ClinVar (database versions not stated): ExAC 0.00005; gnomAD 0.00001; gnomAD exomes 0.00001; TOPMed 0.00004.

Submissions (2):

Labcorp Genetics (formerly Invitae), Labcorp
Classification: Pathogenic. Last evaluated: 2022-06-28. Review status: criteria provided, single submitter. Criteria: Invitae Variant Classification Sherloc (09022015). Collection method: clinical testing. Allele origin: germline.
Comment: This sequence change creates a premature translational stop signal (p.Leu4481Alafs*3) in the DNHD1 gene. It is expected to result in an absent or disrupted protein product. Loss-of-function variants in DNHD1 are known to be pathogenic (PMID: 34932939). This variant is present in population databases (rs368113841, gnomAD 0.1%). This variant has not been reported in the literature in individuals affected with DNHD1-related conditions. For these reasons, this variant has been classified as Pathogenic.

Juno Genomics, Hangzhou Juno Genomics, Inc
Classification: Likely pathogenic for Spermatogenic failure 65. Review status: criteria provided, single submitter. Criteria: ACMG Guidelines, 2015. Collection method: clinical testing. Allele origin: germline.
Comment: Absent from controls (or at extremely low frequency if recessive) in Genome Aggregation Database.;Null variant in a gene where loss of function (LOF) is a known mechanism of disease.

Literature cited by the submitters: PubMed 34932939 (cited by Labcorp Genetics (formerly Invitae), Labcorp).

NM_144666.3(DNHD1):c.13441_13447del (p.Leu4481fs)

Gene: DNHD1 (dynein heavy chain domain 1; plus strand). Cytogenetic location: 11p15.4.
Variant type: Deletion.
Coding change: c.13441_13447del on transcript NM_144666.3 (MANE Select); coding-DNA positions 13441 to 13447, 7 bases deleted (CTGGAGG; older notation c.13441_13447delCTGGAGG).
Protein change: p.Leu4481fs; shifts the reading frame from leucine 4481.
Molecular consequence: frameshift variant.
Genome position (GRCh38, 1-based): chr11:6,570,953-6,570,959, CTGGAGG deleted. VCF-style (leftmost placement, unchanged base first): chr11-6570952-TCTGGAGG-T. GRCh37 (hg19) VCF-style: chr11-6592182-TCTGGAGG-T.
Other names: short protein forms L4481fs.
Identifiers: ClinVar variation 2197413 (VCV002197413.3), dbSNP rs368113841, ClinGen allele CA5857127.
Genomic context (GRCh38, chr11:6,570,952, plus strand): 5'-GATTCGCCAAGACGAGTCCGACGCCCCGTGGTCAGTGCTGGGGCCAAATGCACGGCGGCC[TCTGGAGG>T]GCGTCTTAGAGACCGAGGCTCTAGAACTGAGCCAGTTGGTGGGCACGCTACAACGCGACC-3'